The following is an entry in ClinVar:

ClinVar aggregate classification (germline): Uncertain significance (1 of 4 stars; one submission).

Submission:

Labcorp Genetics (formerly Invitae), Labcorp
Classification: Uncertain significance. Last evaluated: 2025-09-22. Review status: criteria provided, single submitter. Criteria: Invitae Variant Classification Sherloc (09022015). Collection method: clinical testing. Allele origin: germline.
Comment: This sequence change falls in intron 11 of the SPPL2A gene. It does not directly change the encoded amino acid sequence of the SPPL2A protein. This variant is not present in population databases (gnomAD no frequency). This variant has not been reported in the literature in individuals affected with SPPL2A-related conditions. Algorithms developed to predict the effect of sequence changes on RNA splicing suggest that this variant may disrupt the consensus splice site. In summary, the available evidence is currently insufficient to determine the role of this variant in disease. Therefore, it has been classified as a Variant of Uncertain Significance.

NM_032802.4(SPPL2A):c.1147-13T>A

Gene: SPPL2A (signal peptide peptidase like 2A; minus strand). Cytogenetic location: 15q21.2.
Variant type: single nucleotide variant.
Coding change: c.1147-13T>A on transcript NM_032802.4 (MANE Select); 13 bases into the intron before coding-DNA position 1147, T replaced by A.
Molecular consequence: intron variant.
Genome position (GRCh38, 1-based): chr15:50,725,336, A>T on the plus strand (T>A on the coding strand, the complement: SPPL2A is on the minus strand). VCF-style: chr15-50725336-A-T. GRCh37 (hg19) VCF-style: chr15-51017533-A-T.
Other names: c.1147-13T>A (NM_001438112.1); c.1201-13T>A (NM_001438111.1).
Identifiers: ClinVar variation 4727599 (VCV004727599.1).